The following is an entry in ClinVar:

NM_002292.4(LAMB2):c.4328A>G (p.Asn1443Ser)

Gene: LAMB2 (laminin subunit beta 2; minus strand). Cytogenetic location: 3p21.31.
Variant type: single nucleotide variant.
Coding change: c.4328A>G on transcript NM_002292.4 (MANE Select); coding-DNA position 4328, A replaced by G.
Protein change: p.Asn1443Ser; replaces asparagine 1443 with serine.
Molecular consequence: missense variant.
Genome position (GRCh38, 1-based): chr3:49,122,949, T>C on the plus strand (A>G on the coding strand, the complement: LAMB2 is on the minus strand). VCF-style: chr3-49122949-T-C. GRCh37 (hg19) VCF-style: chr3-49160382-T-C.
Other names: c.4328A>G (NM_002292.3); short protein forms N1443S.
Identifiers: ClinVar variation 1041765 (VCV001041765.3), dbSNP rs1327659310, ClinGen allele CA352694111.

ClinVar aggregate classification (germline): Conflicting classifications of pathogenicity. Review status: criteria provided, conflicting classifications (1 of 4 stars). 2 submissions from 2 submitters: Uncertain significance (1); Likely benign (1). Last evaluated 2025-11-13.

Conditions:
Pierson syndrome. Also called: MICROCORIA-CONGENITAL NEPHROTIC SYNDROME. Identifiers: Orphanet 2670, MedGen C1836876, MONDO:0012184, OMIM 609049.
LAMB2-related infantile-onset nephrotic syndrome. Also called: Nephrotic Syndrome, type 5; NEPHROTIC SYNDROME, TYPE 5, WITHOUT OCULAR ABNORMALITIES; NEPHROTIC SYNDROME, TYPE 5, WITH OCULAR ABNORMALITIES. Identifiers: Orphanet 306507, MedGen C3280113, MONDO:0013621, OMIM 614199.
Inborn genetic diseases. Identifiers: MedGen C0950123, MeSH D030342.

Allele frequency attached by ClinVar (database versions not stated): gnomAD exomes 0.00001; gnomAD 0.00002; TOPMed 0.00002.
gnomAD v4.1: 10 of 1,608,862 alleles (0.00062%); highest among the groups gnomAD compares: Admixed American, 0.0017%; no homozygotes.

Submissions (2):

Ambry Genetics
Classification: Likely benign for Inborn genetic diseases. Last evaluated: 2025-11-13. Review status: criteria provided, single submitter. Criteria: Ambry Variant Classification Scheme 2023. Collection method: clinical testing. Allele origin: germline.

Labcorp Genetics (formerly Invitae), Labcorp
Classification: Uncertain significance for LAMB2-related infantile-onset nephrotic syndrome; Pierson syndrome. Last evaluated: 2021-08-26. Review status: criteria provided, single submitter. Criteria: Invitae Variant Classification Sherloc (09022015). Collection method: clinical testing. Allele origin: germline.
Comment: This sequence change replaces asparagine with serine at codon 1443 of the LAMB2 protein (p.Asn1443Ser). The asparagine residue is moderately conserved and there is a small physicochemical difference between asparagine and serine. This variant is not present in population databases (ExAC no frequency). This variant has not been reported in the literature in individuals affected with LAMB2-related conditions. Algorithms developed to predict the effect of missense changes on protein structure and function output the following: SIFT: "Tolerated"; PolyPhen-2: "Benign"; Align-GVGD: "Class C0". The serine amino acid residue is found in multiple mammalian species, which suggests that this missense change does not adversely affect protein function. In summary, the available evidence is currently insufficient to determine the role of this variant in disease. Therefore, it has been classified as a Variant of Uncertain Significance.